The following is an entry in ClinVar:

NM_001845.6(COL4A1):c.3748C>A (p.Pro1250Thr)

Gene: COL4A1 (collagen type IV alpha 1 chain; minus strand). Cytogenetic location: 13q34.
Variant type: single nucleotide variant.
Coding change: c.3748C>A on transcript NM_001845.6 (MANE Select); coding-DNA position 3748, C replaced by A.
Protein change: p.Pro1250Thr; replaces proline 1250 with threonine.
Molecular consequence: missense variant.
Genome position (GRCh38, 1-based): chr13:110,169,757, G>T on the plus strand (C>A on the coding strand, the complement: COL4A1 is on the minus strand). VCF-style: chr13-110169757-G-T. GRCh37 (hg19) VCF-style: chr13-110822104-G-T.
Other names: short protein forms P1250T.
Identifiers: ClinVar variation 430395 (VCV000430395.4), dbSNP rs144403132, ClinGen allele CA7047148.
Genomic context (GRCh38, chr13:110,169,757, plus strand): 5'-TTCCTTTGTCACCTTTAACTCCATCAATCCCAGGAAGCCCTGGAGGCCCCATGGGTCCCG[G>T]AAGTCCTAATGGAAGAGAAGAAAGCCACACATTTGGGGTTAAATATGCACAAGTGTCCCT-3'
Protein context (NP_001836.3, residues 1240-1260): PQGQPGLPGL[Pro1250Thr]GPMGPPGLPG

ClinVar aggregate classification (germline): Uncertain significance. Review status: criteria provided, multiple submitters, no conflicts (2 of 4 stars). 2 submissions from 2 submitters: Uncertain significance (2). Last evaluated 2025-09-09.

Allele frequency attached by ClinVar (database versions not stated): gnomAD exomes below 0.00001; ExAC 0.00001; TOPMed 0.00001; ESP Exome Variant Server 0.00008.
gnomAD v4.1: 4 of 1,613,964 alleles (0.00025%); highest among the groups gnomAD compares: Non-Finnish European, 0.00034%; no homozygotes.

Submissions (2):

Labcorp Genetics (formerly Invitae), Labcorp
Classification: Uncertain significance. Last evaluated: 2025-09-09. Review status: criteria provided, single submitter. Criteria: Invitae Variant Classification Sherloc (09022015). Collection method: clinical testing. Allele origin: germline.
Comment: This sequence change replaces proline, which is neutral and non-polar, with threonine, which is neutral and polar, at codon 1250 of the COL4A1 protein (p.Pro1250Thr). This variant is present in population databases (rs144403132, gnomAD 0.0009%). This variant has not been reported in the literature in individuals affected with COL4A1-related conditions. ClinVar contains an entry for this variant (Variation ID: 430395). Invitae Evidence Modeling of protein sequence and biophysical properties (such as structural, functional, and spatial information, amino acid conservation, physicochemical variation, residue mobility, and thermodynamic stability) indicates that this missense variant is not expected to disrupt COL4A1 protein function with a negative predictive value of 95%. In summary, the available evidence is currently insufficient to determine the role of this variant in disease. Therefore, it has been classified as a Variant of Uncertain Significance.

GeneDx
Classification: Uncertain significance. Last evaluated: 2024-09-25. Review status: criteria provided, single submitter. Criteria: GeneDx Variant Classification Process June 2021. Collection method: clinical testing. Allele origin: germline. Affected: yes.
Comment: In silico analysis supports that this missense variant has a deleterious effect on protein structure/function; Has not been previously published as pathogenic or benign to our knowledge